The following is an entry in ClinVar:

NM_006580.4(CLDN16):c.674C>T (p.Thr225Met)

Gene: CLDN16 (claudin 16; plus strand). Cytogenetic location: 3q28.
Variant type: single nucleotide variant.
Coding change: c.674C>T on transcript NM_006580.4 (MANE Select); coding-DNA position 674, C replaced by T.
Protein change: p.Thr225Met; replaces threonine 225 with methionine.
Molecular consequence: missense variant.
Genome position (GRCh38, 1-based): chr3:190,410,002, C>T. VCF-style: chr3-190410002-C-T. GRCh37 (hg19) VCF-style: chr3-190127791-C-T.
Other names: c.674C>T, p.Thr225Met (NM_001378492.1, NM_001378493.1); short protein forms T225M.
Identifiers: ClinVar variation 2958195 (VCV002958195.3), dbSNP rs374751726, ClinGen allele CA2753935.

ClinVar aggregate classification (germline): Uncertain significance. Review status: criteria provided, multiple submitters, no conflicts (2 of 4 stars). 2 submissions from 2 submitters: Uncertain significance (2). Last evaluated 2024-06-17.

Conditions:
Primary hypomagnesemia (HOMG3). Also called: HYPOMAGNESEMIA, FAMILIAL, WITH HYPERCALCIURIA AND NEPHROCALCINOSIS; HYPOMAGNESEMIA, ISOLATED RENAL; HYPOMAGNESEMIA, PRIMARY, DUE TO DEFECT IN RENAL TUBULAR TRANSPORT OF MAGNESIUM; HYPOMAGNESEMIA 3, RENAL. Identifiers: Orphanet 31043, MedGen C0268448, MONDO:0009550, OMIM 248250.

Allele frequency attached by ClinVar (database versions not stated): gnomAD 0.00001; ExAC 0.00002; gnomAD exomes 0.00002; TOPMed 0.00002; ESP Exome Variant Server 0.00008.
gnomAD v4.1: 33 of 1,613,884 alleles (0.002%); highest among the groups gnomAD compares: African/African-American, 0.0027%; no homozygotes.

Submissions (2):

Fulgent Genetics
Classification: Uncertain significance for Primary hypomagnesemia. Last evaluated: 2024-06-17. Review status: criteria provided, single submitter. Criteria: ACMG Guidelines, 2015. Collection method: clinical testing. Allele origin: germline.

Labcorp Genetics (formerly Invitae), Labcorp
Classification: Uncertain significance. Last evaluated: 2023-12-18. Review status: criteria provided, single submitter. Criteria: Invitae Variant Classification Sherloc (09022015). Collection method: clinical testing. Allele origin: germline.
Comment: This sequence change replaces threonine, which is neutral and polar, with methionine, which is neutral and non-polar, at codon 295 of the CLDN16 protein (p.Thr295Met). This variant is present in population databases (rs374751726, gnomAD 0.03%). This variant has not been reported in the literature in individuals affected with CLDN16-related conditions. An algorithm developed to predict the effect of missense changes on protein structure and function (PolyPhen-2) suggests that this variant is likely to be disruptive. In summary, the available evidence is currently insufficient to determine the role of this variant in disease. Therefore, it has been classified as a Variant of Uncertain Significance.